The following is an entry in ClinVar:

ClinVar aggregate classification (germline): Benign (1 of 4 stars; one submission).

Allele frequency attached by ClinVar (database versions not stated): 1000 Genomes Project 0.45068; 1000 Genomes Project 30x 0.45440; TOPMed 0.51642; gnomAD 0.52243 and 0.52576.

Submission:

GeneDx
Classification: Benign. Last evaluated: 2018-06-14. Review status: criteria provided, single submitter. Criteria: GeneDx Variant Classification (06012015). Collection method: clinical testing. Allele origin: germline. Affected: yes.
Comment: This variant is considered likely benign or benign based on one or more of the following criteria: it is a conservative change, it occurs at a poorly conserved position in the protein, it is predicted to be benign by multiple in silico algorithms, and/or has population frequency not consistent with disease.

NM_014317.5(PDSS1):c.336+327A>G

Gene: PDSS1 (decaprenyl diphosphate synthase subunit 1; plus strand). Cytogenetic location: 10p12.1.
Variant type: single nucleotide variant.
Coding change: c.336+327A>G on transcript NM_014317.5 (MANE Select); 327 bases into the intron after coding-DNA position 336, A replaced by G.
Molecular consequence: intron variant.
Genome position (GRCh38, 1-based): chr10:26,705,721, A>G. VCF-style: chr10-26705721-A-G. GRCh37 (hg19) VCF-style: chr10-26994650-A-G.
Other names: c.-258+327A>G (NM_001321979.2); c.336+327A>G (NM_001321978.2).
Identifiers: ClinVar variation 683442 (VCV000683442.1), dbSNP rs2448107, ClinGen allele CA13262081.